The following is an entry in ClinVar:

ClinVar aggregate classification (germline): Uncertain significance (1 of 4 stars; one submission).

Allele frequency attached by ClinVar (database versions not stated): gnomAD exomes 0.00001.
gnomAD v4.1: 7 of 1,613,544 alleles (0.00043%); highest among the groups gnomAD compares: Non-Finnish European, 0.00059%; no homozygotes.

Submission:

Labcorp Genetics (formerly Invitae), Labcorp
Classification: Uncertain significance. Last evaluated: 2023-04-28. Review status: criteria provided, single submitter. Criteria: Invitae Variant Classification Sherloc (09022015). Collection method: clinical testing. Allele origin: germline.
Comment: In summary, the available evidence is currently insufficient to determine the role of this variant in disease. Therefore, it has been classified as a Variant of Uncertain Significance. Advanced modeling of protein sequence and biophysical properties (such as structural, functional, and spatial information, amino acid conservation, physicochemical variation, residue mobility, and thermodynamic stability) has been performed at Invitae for this missense variant, however the output from this modeling did not meet the statistical confidence thresholds required to predict the impact of this variant on CACNA1D protein function. This variant has not been reported in the literature in individuals affected with CACNA1D-related conditions. This variant is not present in population databases (gnomAD no frequency). This sequence change replaces arginine, which is basic and polar, with cysteine, which is neutral and slightly polar, at codon 1145 of the CACNA1D protein (p.Arg1145Cys).

NM_001128840.3(CACNA1D):c.3373C>T (p.Arg1125Cys)

Genes: CACNA1D (calcium voltage-gated channel subunit alpha1 D; plus strand), LOC129936904 (ATAC-STARR-seq lymphoblastoid active region 19969; plus strand). Cytogenetic location: 3p21.1.
Variant type: single nucleotide variant.
Coding change: c.3373C>T on transcript NM_001128840.3 (MANE Select); coding-DNA position 3373, C replaced by T.
Protein change: p.Arg1125Cys; replaces arginine 1125 with cysteine.
Molecular consequence: missense variant.
Genome position (GRCh38, 1-based): chr3:53,749,326, C>T. VCF-style: chr3-53749326-C-T. GRCh37 (hg19) VCF-style: chr3-53783353-C-T.
Other names: c.3433C>T, p.Arg1145Cys (NM_000720.4); c.3373C>T, p.Arg1125Cys (NM_001128839.3); short protein forms R1125C, R1145C.
Identifiers: ClinVar variation 2801310 (VCV002801310.3), dbSNP rs2095203758, ClinGen allele CA353248619.